The following is an entry in ClinVar:

NM_000187.4(HGD):c.931G>A (p.Ala311Thr)

Gene: HGD (homogentisate 1,2-dioxygenase; minus strand). Cytogenetic location: 3q13.33.
Variant type: single nucleotide variant.
Coding change: c.931G>A on transcript NM_000187.4 (MANE Select); coding-DNA position 931, G replaced by A.
Protein change: p.Ala311Thr; replaces alanine 311 with threonine.
Molecular consequence: missense variant.
Genome position (GRCh38, 1-based): chr3:120,638,530, C>T on the plus strand (G>A on the coding strand, the complement: HGD is on the minus strand). VCF-style: chr3-120638530-C-T. GRCh37 (hg19) VCF-style: chr3-120357377-C-T.
Other names: short protein forms A311T.
Identifiers: ClinVar variation 2171389 (VCV002171389.4), dbSNP rs1317676622, ClinGen allele CA354073613.

ClinVar aggregate classification (germline): Uncertain significance (1 of 4 stars; one submission).

Conditions:
Alkaptonuria (AKU). Also called: Homogentisic acidura; Alkaptonuric ochronosis; HOMOGENTISIC ACID OXIDASE DEFICIENCY; Alcaptonuria. Identifiers: Orphanet 56, MedGen C0002066, MONDO:0008753, OMIM 203500.

Allele frequency attached by ClinVar (database versions not stated): gnomAD exomes below 0.00001; TOPMed 0.00001.
gnomAD v4.1: 2 of 1,613,892 alleles (0.00012%); highest among the groups gnomAD compares: Non-Finnish European, 0.00017%; no homozygotes.

Submission:

Labcorp Genetics (formerly Invitae), Labcorp
Classification: Uncertain significance for Alkaptonuria. Last evaluated: 2023-07-10. Review status: criteria provided, single submitter. Criteria: Invitae Variant Classification Sherloc (09022015). Collection method: clinical testing. Allele origin: germline.
Comment: In summary, the available evidence is currently insufficient to determine the role of this variant in disease. Therefore, it has been classified as a Variant of Uncertain Significance. Advanced modeling of protein sequence and biophysical properties (such as structural, functional, and spatial information, amino acid conservation, physicochemical variation, residue mobility, and thermodynamic stability) performed at Invitae indicates that this missense variant is expected to disrupt HGD protein function. ClinVar contains an entry for this variant (Variation ID: 2171389). This variant has not been reported in the literature in individuals affected with HGD-related conditions. This variant is present in population databases (no rsID available, gnomAD 0.0009%). This sequence change replaces alanine, which is neutral and non-polar, with threonine, which is neutral and polar, at codon 311 of the HGD protein (p.Ala311Thr).